The following is an entry in ClinVar:

ClinVar aggregate classification (germline): Uncertain significance. Review status: criteria provided, multiple submitters, no conflicts (2 of 4 stars). 2 submissions from 2 submitters: Uncertain significance (2). Last evaluated 2022-03-25.

Conditions:
Inborn genetic diseases. Identifiers: MedGen C0950123, MeSH D030342.
Hereditary sensory and autonomic neuropathy type 6. Also called: Neuropathy, hereditary sensory and autonomic, type VI; HSAN VI. Identifiers: Orphanet 314381, MedGen C3539003, MONDO:0013839, OMIM 614653.
Epidermolysis bullosa simplex 3, localized or generalized intermediate, with BP230 deficiency (EBS3). Also called: Epidermolysis bullosa simplex due to BP230 deficiency; Epidermolysis bullosa simplex, autosomal recessive 2. Identifiers: Orphanet 412181, MedGen C3809470, MONDO:0014180, OMIM 615425.

Allele frequency attached by ClinVar (database versions not stated): gnomAD exomes 0.00001; ExAC 0.00002.
gnomAD v4.1: 18 of 1,613,598 alleles (0.0011%); highest among the groups gnomAD compares: Non-Finnish European, 0.0015%; no homozygotes.

Submissions (2):

Labcorp Genetics (formerly Invitae), Labcorp
Classification: Uncertain significance for Epidermolysis bullosa simplex 3, localized or generalized intermediate, with BP230 deficiency; Hereditary sensory and autonomic neuropathy type 6. Last evaluated: 2022-03-25. Review status: criteria provided, single submitter. Criteria: Invitae Variant Classification Sherloc (09022015). Collection method: clinical testing. Allele origin: germline.
Comment: In summary, the available evidence is currently insufficient to determine the role of this variant in disease. Therefore, it has been classified as a Variant of Uncertain Significance. Experimental studies and prediction algorithms are not available or were not evaluated, and the functional significance of this variant is currently unknown. This variant has not been reported in the literature in individuals affected with DST-related conditions. This variant is present in population databases (rs777182046, gnomAD 0.002%). This sequence change replaces asparagine, which is neutral and polar, with serine, which is neutral and polar, at codon 3212 of the DST protein (p.Asn3212Ser). The DST gene has multiple clinically relevant transcripts. This variant occurs in alternate transcript NM_015548.4, and corresponds to NM_001723.5:c.*85978A>G in the primary transcript.

Ambry Genetics
Classification: Uncertain significance for Inborn genetic diseases. Last evaluated: 2019-10-01. Review status: criteria provided, single submitter. Criteria: Ambry Variant Classification Scheme 2023. Collection method: clinical testing. Allele origin: germline.
Comment: The p.N3716S variant (also known as c.11147A>G), located in coding exon 60 of the DST gene, results from an A to G substitution at nucleotide position 11147. The asparagine at codon 3716 is replaced by serine, an amino acid with highly similar properties. This amino acid position is well conserved in available vertebrate species. In addition, this alteration is predicted to be tolerated by in silico analysis. Since supporting evidence is limited at this time, the clinical significance of this alteration remains unclear.

NM_001374736.1(DST):c.17504A>G (p.Asn5835Ser)

Gene: DST (dystonin; minus strand). Cytogenetic location: 6p12.1.
Variant type: single nucleotide variant.
Coding change: c.17504A>G on transcript NM_001374736.1 (MANE Select); coding-DNA position 17504, A replaced by G.
Protein change: p.Asn5835Ser; replaces asparagine 5835 with serine.
Molecular consequence: missense variant. On other transcripts: intron variant (2).
Genome position (GRCh38, 1-based): chr6:56,529,539, T>C on the plus strand (A>G on the coding strand, the complement: DST is on the minus strand). VCF-style: chr6-56529539-T-C. GRCh37 (hg19) VCF-style: chr6-56394337-T-C.
Other names: c.10733A>G, p.Asn3578Ser (NM_001144770.2); c.17504A>G, p.Asn5835Ser (NM_001374722.1); c.17531A>G, p.Asn5844Ser (NM_001374734.1); c.11147A>G, p.Asn3716Ser (NM_001144769.5); c.10613A>G, p.Asn3538Ser (NM_001386100.1, NM_183380.4); c.9635A>G, p.Asn3212Ser (NM_015548.5); c.10377+435A>G (NM_001374730.1); c.16635+435A>G (NM_001374729.1); short protein forms N3212S, N3578S, N5835S, N3538S, N3716S, N5844S.
Identifiers: ClinVar variation 1795827 (VCV001795827.6), dbSNP rs777182046, ClinGen allele CA3867425.